The following is an entry in ClinVar:

NM_000548.5(TSC2):c.2591A>C (p.Gln864Pro)

Gene: TSC2 (TSC complex subunit 2; plus strand). Cytogenetic location: 16p13.3.
Variant type: single nucleotide variant.
Coding change: c.2591A>C on transcript NM_000548.5 (MANE Select); coding-DNA position 2591, A replaced by C.
Protein change: p.Gln864Pro; replaces glutamine 864 with proline.
Molecular consequence: missense variant.
Genome position (GRCh38, 1-based): chr16:2,075,844, A>C. VCF-style: chr16-2075844-A-C. GRCh37 (hg19) VCF-style: chr16-2125845-A-C.
Other names: c.2591A>C (NM_000548.3); c.2591A>C, p.Gln864Pro (NM_001077183.3, NM_001114382.3, NM_001363528.2 and 3 more transcripts); c.2480A>C, p.Gln827Pro (NM_001318827.2); c.2444A>C, p.Gln815Pro (NM_001318829.2); c.1991A>C, p.Gln664Pro (NM_001318831.2); c.2624A>C, p.Gln875Pro (NM_001318832.2); short protein forms Q875P, Q664P, Q864P, Q815P, Q827P.
Identifiers: ClinVar variation 1417178 (VCV001417178.9), dbSNP rs2151380945, ClinGen allele CA394278391.
Genomic context (GRCh38, chr16:2,075,844, plus strand): 5'-TCTCCATTACCGCAGCTCTGGCCAGGCTGCCGCACCTCTACAGGAACTTTGCCGCGGAGC[A>C]GTATGCCAGTGTGTTCGCCATCTCCCTGCCGTACACCAACCCCTCCAAGTGAGTGGTCGC-3'
Protein context (NP_000539.2, residues 854-874): PHLYRNFAAE[Gln864Pro]YASVFAISLP

ClinVar aggregate classification (germline): Uncertain significance. Review status: criteria provided, multiple submitters, no conflicts (2 of 4 stars). 2 submissions from 2 submitters: Uncertain significance (2). Last evaluated 2025-06-03.

Conditions:
Hereditary cancer-predisposing syndrome. Also called: Hereditary neoplastic syndrome; Neoplastic Syndromes, Hereditary; Hereditary Cancer Syndrome; Tumor predisposition. Identifiers: Orphanet 140162, MedGen C0027672, MeSH D009386, MONDO:0015356.
Tuberous sclerosis 2 (TSC2). Identifiers: Orphanet 805, MedGen C1860707, MONDO:0013199, OMIM 613254.

Submissions (2):

Labcorp Genetics (formerly Invitae), Labcorp
Classification: Uncertain significance for Tuberous sclerosis 2. Last evaluated: 2025-06-03. Review status: criteria provided, single submitter. Criteria: Invitae Variant Classification Sherloc (09022015). Collection method: clinical testing. Allele origin: germline.
Comment: This sequence change replaces glutamine, which is neutral and polar, with proline, which is neutral and non-polar, at codon 864 of the TSC2 protein (p.Gln864Pro). This variant is not present in population databases (gnomAD no frequency). This variant has not been reported in the literature in individuals affected with TSC2-related conditions. ClinVar contains an entry for this variant (Variation ID: 1417178). Invitae Evidence Modeling of protein sequence and biophysical properties (such as structural, functional, and spatial information, amino acid conservation, physicochemical variation, residue mobility, and thermodynamic stability) indicates that this missense variant is not expected to disrupt TSC2 protein function with a negative predictive value of 95%. In summary, the available evidence is currently insufficient to determine the role of this variant in disease. Therefore, it has been classified as a Variant of Uncertain Significance.

Ambry Genetics
Classification: Uncertain significance for Hereditary cancer-predisposing syndrome. Last evaluated: 2024-09-19. Review status: criteria provided, single submitter. Criteria: Ambry Variant Classification Scheme 2023. Collection method: clinical testing. Allele origin: germline.
Comment: The p.Q864P variant (also known as c.2591A>C), located in coding exon 22 of the TSC2 gene, results from an A to C substitution at nucleotide position 2591. The glutamine at codon 864 is replaced by proline, an amino acid with similar properties. This amino acid position is conserved. In addition, this alteration is predicted to be deleterious by in silico analysis. Based on the available evidence, the clinical significance of this variant remains unclear.